The following is an entry in ClinVar:

NM_000255.4(MMUT):c.393G>A (p.Gln131=)

Gene: MMUT (methylmalonyl-CoA mutase; minus strand). Cytogenetic location: 6p12.3.
Variant type: single nucleotide variant.
Coding change: c.393G>A on transcript NM_000255.4 (MANE Select); coding-DNA position 393, G replaced by A.
Protein change: p.Gln131=; no amino-acid change (glutamine 131 retained).
Molecular consequence: synonymous variant.
Genome position (GRCh38, 1-based): chr6:49,458,051, C>T on the plus strand (G>A on the coding strand, the complement: MMUT is on the minus strand). VCF-style: chr6-49458051-C-T. GRCh37 (hg19) VCF-style: chr6-49425764-C-T.
Identifiers: ClinVar variation 196239 (VCV000196239.21), dbSNP rs145682249, ClinGen allele CA243129.
Genomic context (GRCh38, chr6:49,458,051, plus strand): 5'-AGGGTTGTCTGAATCATAGCCACGATGTGTCGCCAGATCAAAGGCAACTGATAATCCCTG[C>T]TGACCAGCTAAATATATAAAGAAAAATAATGTAAGATTCAAGAGTCTGGAATCAAGGTAA-3'
Protein context (NP_000246.2, residues 121-141): KFYKDNIKAG[Gln131=]QGLSVAFDLA

ClinVar aggregate classification (germline): Conflicting classifications of pathogenicity. Review status: criteria provided, conflicting classifications (1 of 4 stars). 5 submissions from 5 submitters: Uncertain significance (2); Benign (1); Likely benign (1). 1 of the submissions does not count toward it. Last evaluated 2026-01-28.

Conditions:
Methylmalonic aciduria due to complete methylmalonyl-CoA mutase deficiency.
Methylmalonic aciduria due to methylmalonyl-CoA mutase deficiency (MAMM). Also called: Methylmalonic aciduria, mut type. Identifiers: Orphanet 27, MedGen C1855114, MONDO:0009612, OMIM 251000.

Allele frequency attached by ClinVar (database versions not stated): gnomAD exomes 0.00017 and 0.00033; ExAC 0.00038; 1000 Genomes Project 0.00100; gnomAD 0.00108 and 0.00116; TOPMed 0.00110; ESP Exome Variant Server 0.00115; 1000 Genomes Project 30x 0.00141.

Submissions (5):

Labcorp Genetics (formerly Invitae), Labcorp
Classification: Benign. Last evaluated: 2026-01-28. Review status: criteria provided, single submitter. Criteria: Invitae Variant Classification Sherloc (09022015). Collection method: clinical testing. Allele origin: germline.

Illumina Laboratory Services, Illumina
Classification: Uncertain significance for Methylmalonic aciduria due to methylmalonyl-CoA mutase deficiency. Last evaluated: 2018-01-12. Review status: criteria provided, single submitter. Criteria: ICSL Variant Classification Criteria 13 December 2019. Collection method: clinical testing. Allele origin: germline.

GeneDx
Classification: Likely benign. Last evaluated: 2017-07-27. Review status: criteria provided, single submitter. Criteria: GeneDx Variant Classification (06012015). Collection method: clinical testing. Allele origin: germline. Affected: yes.
Comment: This variant is considered likely benign or benign based on one or more of the following criteria: it is a conservative change, it occurs at a poorly conserved position in the protein, it is predicted to be benign by multiple in silico algorithms, and/or has population frequency not consistent with disease.

Eurofins Ntd Llc (ga)
Classification: Uncertain significance. Last evaluated: 2014-09-04. Review status: criteria provided, single submitter. Criteria: EGL Classification Definitions 2015. Collection method: clinical testing. Allele origin: germline. Observed: 1 variant allele, 1 heterozygote.

Natera, Inc.
Classification: Uncertain significance for Methylmalonic aciduria due to complete methylmalonyl-CoA mutase deficiency. Last evaluated: 2020-01-17. Review status: no assertion criteria provided. Collection method: clinical testing. Allele origin: germline. Not counted in ClinVar's aggregate classification.